The following is an entry in ClinVar:

NC_000006.11:g.(?_107067057)_(107067221_?)del

Gene: RTN4IP1 (reticulon 4 interacting protein 1; minus strand). Cytogenetic location: 6q21.
Variant type: Deletion.
Identifiers: ClinVar variation 2427061 (VCV002427061.4).

ClinVar aggregate classification (germline): Pathogenic (1 of 4 stars; one submission).

Submission:

Labcorp Genetics (formerly Invitae), Labcorp
Classification: Pathogenic. Last evaluated: 2022-09-10. Review status: criteria provided, single submitter. Criteria: Invitae Variant Classification Sherloc (09022015). Collection method: clinical testing. Allele origin: germline.
Comment: For these reasons, this variant has been classified as Pathogenic. This variant has not been reported in the literature in individuals affected with RTN4IP1-related conditions. This variant is a gross deletion of the genomic region encompassing exon(s) 4 of the RTN4IP1 gene. This deletion is out-of-frame, and is expected to create a premature termination codon and result in an absent or disrupted protein product. Loss-of-function variants in RTN4IP1 are known to be pathogenic (PMID: 26593267).

Literature cited by the submitters: PubMed 26593267.